The following is an entry in ClinVar:

NM_020765.3(UBR4):c.13725T>C (p.Ala4575=)

Gene: UBR4 (ubiquitin protein ligase E3 component n-recognin 4; minus strand). Cytogenetic location: 1p36.13.
Variant type: single nucleotide variant.
Coding change: c.13725T>C on transcript NM_020765.3 (MANE Select); coding-DNA position 13725, T replaced by C.
Protein change: p.Ala4575=; no amino-acid change (alanine 4575 retained).
Molecular consequence: synonymous variant.
Genome position (GRCh38, 1-based): chr1:19,094,927, A>G on the plus strand (T>C on the coding strand, the complement: UBR4 is on the minus strand). VCF-style: chr1-19094927-A-G. GRCh37 (hg19) VCF-style: chr1-19421421-A-G.
Identifiers: ClinVar variation 3234489 (VCV003234489.20), dbSNP rs2524927539, ClinGen allele CA416457467.

ClinVar aggregate classification (germline): Likely benign (1 of 4 stars; one submission).

Submission:

CeGaT Center for Human Genetics Tuebingen
Classification: Likely benign. Last evaluated: 2024-03-01. Review status: criteria provided, single submitter. Criteria: CeGaT Center For Human Genetics Tuebingen Variant Classification Criteria Version 2. Collection method: clinical testing. Allele origin: germline. Affected: yes. Observed: 1 variant allele.
Comment: UBR4: PM2:Supporting, BP4, BP7